The following is an entry in ClinVar:

ClinVar aggregate classification (germline): Pathogenic. Review status: criteria provided, multiple submitters, no conflicts (2 of 4 stars). 2 submissions from 2 submitters: Pathogenic (2). Last evaluated 2025-09-07.

Conditions:
Hereditary cancer-predisposing syndrome. Also called: Neoplastic Syndromes, Hereditary; Tumor predisposition; Hereditary neoplastic syndrome; Hereditary Cancer Syndrome. Identifiers: Orphanet 140162, MedGen C0027672, MeSH D009386, MONDO:0015356.

Submissions (2):

Ambry Genetics
Classification: Pathogenic for Hereditary cancer-predisposing syndrome. Last evaluated: 2025-09-07. Review status: criteria provided, single submitter. Criteria: Ambry Variant Classification Scheme 2023. Collection method: clinical testing. Allele origin: germline.
Comment: The p.Q148* variant (also known as c.442C>T), located in coding exon 4 of the FH gene, results from a C to T substitution at nucleotide position 442. This changes the amino acid from a glutamine to a stop codon within coding exon 4. This variant is considered to be rare based on population cohorts in the Genome Aggregation Database (gnomAD). This alteration is expected to result in loss of function by premature protein truncation or nonsense-mediated mRNA decay. As such, this alteration is interpreted as a disease-causing mutation.

Labcorp Genetics (formerly Invitae), Labcorp
Classification: Pathogenic. Last evaluated: 2023-12-19. Review status: criteria provided, single submitter. Criteria: Invitae Variant Classification Sherloc (09022015). Collection method: clinical testing. Allele origin: germline.
Comment: This sequence change creates a premature translational stop signal (p.Gln148*) in the FH gene. It is expected to result in an absent or disrupted protein product. Loss-of-function variants in FH are known to be pathogenic (PMID: 11865300, 21398687). This variant is not present in population databases (gnomAD no frequency). This premature translational stop signal has been observed in individual(s) with hereditary leiomyomatosis and renal cell carcinoma (PMID: 28300276). ClinVar contains an entry for this variant (Variation ID: 578830). For these reasons, this variant has been classified as Pathogenic.

Literature cited by the submitters: PubMed 11865300 (cited by Labcorp Genetics (formerly Invitae), Labcorp); PubMed 21398687 (cited by Labcorp Genetics (formerly Invitae), Labcorp); PubMed 28300276 (cited by Labcorp Genetics (formerly Invitae), Labcorp).

NM_000143.4(FH):c.442C>T (p.Gln148Ter)

Gene: FH (fumarate hydratase; minus strand). Cytogenetic location: 1q43.
Variant type: single nucleotide variant.
Coding change: c.442C>T on transcript NM_000143.4 (MANE Select); coding-DNA position 442, C replaced by T.
Protein change: p.Gln148Ter; replaces glutamine 148 with a stop codon.
Molecular consequence: nonsense.
Genome position (GRCh38, 1-based): chr1:241,512,080, G>A on the plus strand (C>T on the coding strand, the complement: FH is on the minus strand). VCF-style: chr1-241512080-G-A. GRCh37 (hg19) VCF-style: chr1-241675380-G-A.
Other names: short protein forms Q148*.
Identifiers: ClinVar variation 578830 (VCV000578830.13), dbSNP rs1558400571, ClinGen allele CA345440100.
Genomic context (GRCh38, chr1:241,512,080, plus strand): 5'-CACCTCCTAACATTTCAATTGCTCTATTGCTAATGACTTCATTTACATTCATATTTGTCT[G>A]AGTTCCTGATCCAGTCTGCCATACCACGAGAGGAAAATGATCATTTAATTTACCTTCAGC-3'